The following is an entry in ClinVar:

ClinVar aggregate classification (germline): Uncertain significance (1 of 4 stars; one submission).

Conditions:
Hereditary cancer-predisposing syndrome. Also called: Neoplastic Syndromes, Hereditary; Tumor predisposition; Hereditary neoplastic syndrome; Hereditary Cancer Syndrome. Identifiers: Orphanet 140162, MedGen C0027672, MeSH D009386, MONDO:0015356.

Submission:

Ambry Genetics
Classification: Uncertain significance for Hereditary cancer-predisposing syndrome. Last evaluated: 2023-11-27. Review status: criteria provided, single submitter. Criteria: Ambry Variant Classification Scheme 2023. Collection method: clinical testing. Allele origin: germline.
Comment: The p.A136V variant (also known as c.407C>T), located in coding exon 4 of the BRIP1 gene, results from a C to T substitution at nucleotide position 407. The alanine at codon 136 is replaced by valine, an amino acid with similar properties. This amino acid position is well conserved in available vertebrate species. In addition, this alteration is predicted to be tolerated by in silico analysis. Since supporting evidence is limited at this time, the clinical significance of this alteration remains unclear.

NM_032043.3(BRIP1):c.407C>T (p.Ala136Val)

Gene: BRIP1 (BRCA1 interacting DNA helicase 1; minus strand). Cytogenetic location: 17q23.2.
Variant type: single nucleotide variant.
Coding change: c.407C>T on transcript NM_032043.3 (MANE Select); coding-DNA position 407, C replaced by T.
Protein change: p.Ala136Val; replaces alanine 136 with valine.
Molecular consequence: missense variant.
Genome position (GRCh38, 1-based): chr17:61,849,229, G>A on the plus strand (C>T on the coding strand, the complement: BRIP1 is on the minus strand). VCF-style: chr17-61849229-G-A. GRCh37 (hg19) VCF-style: chr17-59926590-G-A.
Other names: short protein forms A136V.
Identifiers: ClinVar variation 3228137 (VCV003228137.1), dbSNP rs2545421761, ClinGen allele CA400484565.